The following is an entry in ClinVar:

NM_015272.5(RPGRIP1L):c.1714A>G (p.Ile572Val)

Gene: RPGRIP1L (RPGRIP1 like; minus strand). Cytogenetic location: 16q12.2.
Variant type: single nucleotide variant.
Coding change: c.1714A>G on transcript NM_015272.5 (MANE Select); coding-DNA position 1714, A replaced by G.
Protein change: p.Ile572Val; replaces isoleucine 572 with valine.
Molecular consequence: missense variant.
Genome position (GRCh38, 1-based): chr16:53,652,973, T>C on the plus strand (A>G on the coding strand, the complement: RPGRIP1L is on the minus strand). VCF-style: chr16-53652973-T-C. GRCh37 (hg19) VCF-style: chr16-53686885-T-C.
Other names: c.1714A>G, p.Ile572Val (NM_001127897.4, NM_001308334.3, NM_001330538.2); c.1714A>G (NM_015272.2); short protein forms I572V.
Identifiers: ClinVar variation 2165043 (VCV002165043.2), dbSNP rs941136020, ClinGen allele CA281344369.

ClinVar aggregate classification (germline): Uncertain significance. Review status: criteria provided, multiple submitters, no conflicts (2 of 4 stars). 2 submissions from 2 submitters: Uncertain significance (2). Last evaluated 2025-01-18.

Conditions:
Inborn genetic diseases. Identifiers: MedGen C0950123, MeSH D030342.
Joubert syndrome. Also called: CEREBELLOPARENCHYMAL DISORDER IV; JOUBERT-BOLTSHAUSER SYNDROME; Familial aplasia of the vermis. Identifiers: Orphanet 475, MedGen C5979921, MONDO:0018772.
Meckel-Gruber syndrome. Also called: DYSENCEPHALIA SPLANCHNOCYSTICA; GRUBER SYNDROME; Dysencephalia splachnocystica. Identifiers: Orphanet 564, MedGen C0265215, MONDO:0018921.

Allele frequency attached by ClinVar (database versions not stated): gnomAD exomes below 0.00001; TOPMed below 0.00001; gnomAD 0.00001.
gnomAD v4.1: 4 of 1,612,606 alleles (0.00025%); highest among the groups gnomAD compares: East Asian, 0.0067%; no homozygotes.

Submissions (2):

Ambry Genetics
Classification: Uncertain significance for Inborn genetic diseases. Last evaluated: 2025-01-18. Review status: criteria provided, single submitter. Criteria: Ambry Variant Classification Scheme 2023. Collection method: clinical testing. Allele origin: germline.

Labcorp Genetics (formerly Invitae), Labcorp
Classification: Uncertain significance for Joubert syndrome; Meckel-Gruber syndrome. Last evaluated: 2022-02-24. Review status: criteria provided, single submitter. Criteria: Invitae Variant Classification Sherloc (09022015). Collection method: clinical testing. Allele origin: germline.
Comment: This sequence change replaces isoleucine, which is neutral and non-polar, with valine, which is neutral and non-polar, at codon 572 of the RPGRIP1L protein (p.Ile572Val). This variant is present in population databases (no rsID available, gnomAD 0.01%). This variant has not been reported in the literature in individuals affected with RPGRIP1L-related conditions. Algorithms developed to predict the effect of missense changes on protein structure and function (SIFT, PolyPhen-2, Align-GVGD) all suggest that this variant is likely to be tolerated. In summary, the available evidence is currently insufficient to determine the role of this variant in disease. Therefore, it has been classified as a Variant of Uncertain Significance.